The following is an entry in ClinVar:

ClinVar aggregate classification (germline): Pathogenic/Likely pathogenic. Review status: criteria provided, multiple submitters, no conflicts (2 of 4 stars). 2 submissions from 2 submitters: Pathogenic (1); Likely pathogenic (1). Last evaluated 2024-01-17.

Conditions:
Tetralogy of Fallot (TOF). Identifiers: Orphanet 3303, MedGen C0039685, MONDO:0008542, OMIM 187500, HP:0001636.
Charcot-Marie-Tooth disease, axonal, Type 2HH. Also called: CHARCOT-MARIE-TOOTH NEUROPATHY, TYPE 2HH. Identifiers: MedGen C5562003, MONDO:0030458, OMIM 619574.
Alagille syndrome due to a JAG1 point mutation. Also called: HEPATIC DUCTULAR HYPOPLASIA, SYNDROMATIC; JAG1-Related Alagille Syndrome; Alagille Syndrome 1. Identifiers: Orphanet 261619, Orphanet 52, MedGen C1956125, MONDO:0016862, OMIM 118450.
Deafness, congenital heart defects, and posterior embryotoxon (DCHE). Identifiers: MedGen C1866053, MONDO:0060713, OMIM 617992.

Submissions (2):

Fulgent Genetics
Classification: Likely pathogenic for Alagille syndrome due to a JAG1 point mutation; Tetralogy of Fallot; Deafness, congenital heart defects, and posterior embryotoxon; Charcot-Marie-Tooth disease, axonal, Type 2HH. Last evaluated: 2024-01-17. Review status: criteria provided, single submitter. Criteria: ACMG Guidelines, 2015. Collection method: clinical testing. Allele origin: germline.

Labcorp Genetics (formerly Invitae), Labcorp
Classification: Pathogenic for Alagille syndrome due to a JAG1 point mutation. Last evaluated: 2019-02-23. Review status: criteria provided, single submitter. Criteria: Invitae Variant Classification Sherloc (09022015). Collection method: clinical testing. Allele origin: germline.
Comment: For these reasons, this variant has been classified as Pathogenic. Loss-of-function variants in JAG1 are known to be pathogenic (PMID: 11180599). This variant has not been reported in the literature in individuals with JAG1-related conditions. This variant is not present in population databases (ExAC no frequency). This sequence change creates a premature translational stop signal (p.Asp725Glyfs*19) in the JAG1 gene. It is expected to result in an absent or disrupted protein product.

Literature cited by the submitters: PubMed 11180599 (cited by Labcorp Genetics (formerly Invitae), Labcorp).

NM_000214.3(JAG1):c.2172_2173dup (p.Asp725fs)

Gene: JAG1 (jagged canonical Notch ligand 1; minus strand). Cytogenetic location: 20p12.2.
Variant type: Duplication.
Coding change: c.2172_2173dup on transcript NM_000214.3 (MANE Select); coding-DNA positions 2172 to 2173, 2 bases duplicated (GG; older notation c.2172_2173dupGG).
Protein change: p.Asp725fs; shifts the reading frame from aspartic acid 725.
Molecular consequence: frameshift variant.
Genome position (GRCh38, 1-based): chr20:10,645,197-10,645,198, CC duplicated on the plus strand (GG on the coding strand, the reverse complement: JAG1 is on the minus strand); duplicating any 2 consecutive bases within chr20:10,645,197-10,645,201 gives the same sequence; the c. name uses the placement nearest the transcript's 3' end. VCF-style (leftmost placement, unchanged base first): chr20-10645196-T-TCC. GRCh37 (hg19) VCF-style: chr20-10625844-T-TCC.
Other names: short protein forms D725fs.
Identifiers: ClinVar variation 849005 (VCV000849005.8), dbSNP rs1568794128, ClinGen allele CA916083745.